The following is an entry in ClinVar:

ClinVar aggregate classification (germline): Uncertain significance (1 of 4 stars; one submission).

Conditions:
Cystic fibrosis (CF). Also called: MUCOVISCIDOSIS. Identifiers: Orphanet 586, MedGen C0010674, MONDO:0009061, OMIM 219700. Disease mechanism: loss of function.

Submission:

Ambry Genetics
Classification: Uncertain significance for Cystic fibrosis. Last evaluated: 2022-08-02. Review status: criteria provided, single submitter. Criteria: Ambry Variant Classification Scheme 2023. Collection method: clinical testing. Allele origin: germline.
Comment: The p.Q414K variant (also known as c.1240C>A), located in coding exon 10 of the CFTR gene, results from a C to A substitution at nucleotide position 1240. The glutamine at codon 414 is replaced by lysine, an amino acid with similar properties. This amino acid position is conserved. In addition, the in silico prediction for this alteration is inconclusive. Since supporting evidence is limited at this time, the clinical significance of this alteration remains unclear.

NM_000492.4(CFTR):c.1240C>A (p.Gln414Lys)

Genes: CFTR (CF transmembrane conductance regulator; plus strand), CFTR-AS1 (CFTR antisense RNA 1; minus strand). Cytogenetic location: 7q31.2.
Variant type: single nucleotide variant.
Coding change: c.1240C>A on transcript NM_000492.4 (MANE Select); coding-DNA position 1240, C replaced by A.
Protein change: p.Gln414Lys; replaces glutamine 414 with lysine.
Molecular consequence: missense variant.
Genome position (GRCh38, 1-based): chr7:117,548,671, C>A. VCF-style: chr7-117548671-C-A. GRCh37 (hg19) VCF-style: chr7-117188725-C-A.
Other names: short protein forms Q414K.
Identifiers: ClinVar variation 1758195 (VCV001758195.2), dbSNP rs397508183, ClinGen allele CA368981410.